The following is an entry in ClinVar:

ClinVar aggregate classification (germline): Uncertain significance. Review status: criteria provided, multiple submitters, no conflicts (2 of 4 stars). 2 submissions from 2 submitters: Uncertain significance (2). Last evaluated 2023-08-11.

Conditions:
Juvenile polyposis syndrome (JPS). Identifiers: Orphanet 2929, MedGen C0345893, MONDO:0017380, OMIM 174900.

Allele frequency attached by ClinVar (database versions not stated): gnomAD exomes below 0.00001.
gnomAD v4.1: 1 of 1,614,076 alleles (0.000062%); highest among the groups gnomAD compares: East Asian, 0.0022%; no homozygotes.

Submissions (2):

Labcorp Genetics (formerly Invitae), Labcorp
Classification: Uncertain significance for Juvenile polyposis syndrome. Last evaluated: 2023-08-11. Review status: criteria provided, single submitter. Criteria: Invitae Variant Classification Sherloc (09022015). Collection method: clinical testing. Allele origin: germline.
Comment: In summary, the available evidence is currently insufficient to determine the role of this variant in disease. Therefore, it has been classified as a Variant of Uncertain Significance. Advanced modeling of protein sequence and biophysical properties (such as structural, functional, and spatial information, amino acid conservation, physicochemical variation, residue mobility, and thermodynamic stability) performed at Invitae indicates that this missense variant is not expected to disrupt SMAD4 protein function. ClinVar contains an entry for this variant (Variation ID: 1311047). This variant has not been reported in the literature in individuals affected with SMAD4-related conditions. This variant is not present in population databases (gnomAD no frequency). This sequence change replaces alanine, which is neutral and non-polar, with valine, which is neutral and non-polar, at codon 202 of the SMAD4 protein (p.Ala202Val).

GeneDx
Classification: Uncertain significance. Last evaluated: 2019-12-04. Review status: criteria provided, single submitter. Criteria: GeneDx Variant Classification Process June 2021. Collection method: clinical testing. Allele origin: germline. Affected: yes.
Comment: Not observed in large population cohorts (Lek 2016); In silico analysis, which includes protein predictors and evolutionary conservation, supports that this variant does not alter protein structure/function; Has not been previously published as pathogenic or benign to our knowledge

NM_005359.6(SMAD4):c.605C>T (p.Ala202Val)

Gene: SMAD4 (SMAD family member 4; plus strand). Cytogenetic location: 18q21.2.
Variant type: single nucleotide variant.
Coding change: c.605C>T on transcript NM_005359.6 (MANE Select); coding-DNA position 605, C replaced by T.
Protein change: p.Ala202Val; replaces alanine 202 with valine.
Molecular consequence: missense variant.
Genome position (GRCh38, 1-based): chr18:51,054,931, C>T. VCF-style: chr18-51054931-C-T. GRCh37 (hg19) VCF-style: chr18-48581301-C-T.
Other names: short protein forms A202V.
Identifiers: ClinVar variation 1311047 (VCV001311047.5), dbSNP rs2144419222, ClinGen allele CA402461144.